The following is an entry in ClinVar:

ClinVar aggregate classification (germline): Benign/Likely benign. Review status: criteria provided, multiple submitters, no conflicts (2 of 4 stars). 11 submissions from 11 submitters: Benign (4); Likely benign (3). 4 of the submissions do not count toward it. Last evaluated 2026-08-01.

Conditions:
TTN-related disorder. Also called: TTN-related disorders; TTN-related condition; TTN-related disease.

Allele frequency attached by ClinVar (database versions not stated): ExAC 0.00133; ESP Exome Variant Server 0.00331; gnomAD 0.00333 and 0.00311; 1000 Genomes Project 0.00339; 1000 Genomes Project 30x 0.00344; gnomAD exomes 0.00127; TOPMed 0.00372.
gnomAD v4.1: 1,528 of 1,612,716 alleles (0.095%); highest among the groups gnomAD compares: African/African-American, 0.99%; 8 homozygotes.

Submissions (13):

CeGaT Center for Human Genetics Tuebingen
Classification: Likely benign. Last evaluated: 2026-08-01. Review status: criteria provided, single submitter. Criteria: CeGaT Center For Human Genetics Tuebingen Variant Classification Criteria Version 2. Collection method: clinical testing. Allele origin: germline. Affected: yes. Observed: 33 variant alleles.
Comment: TTN: BP4, BS2

Molecular Diagnostic Laboratory for Inherited Cardiovascular Disease, Montreal Heart Institute
Classification: Benign. Last evaluated: 2025-04-09. Review status: criteria provided, single submitter. Criteria: ACMG Guidelines, 2015. Collection method: clinical testing. Allele origin: germline. Affected: no.

Blueprint Genetics
Classification: Likely benign. Last evaluated: 2024-10-22. Review status: criteria provided, single submitter. Criteria: ACMG Guidelines, 2015. Collection method: clinical testing. Allele origin: germline.

ARUP Laboratories, Molecular Genetics and Genomics, ARUP Laboratories
Classification: Likely benign. Last evaluated: 2021-05-07. Review status: criteria provided, single submitter. Criteria: ARUP Molecular Germline Variant Investigation Process 2021. Collection method: clinical testing. Allele origin: germline.

Laboratory for Molecular Medicine, Mass General Brigham Personalized Medicine
Classification: Benign. Last evaluated: 2015-03-20. Review status: criteria provided, single submitter. Criteria: LMM Criteria. Collection method: clinical testing. Allele origin: germline. Observed: 3 variant alleles.
Comment: Thr3914Arg in exon 45A of TTN: This variant is not expected to have clinical sig nificance because it has been identified in 1.1% (106/10028) of African chromoso mes by the Exome Aggregation Consortium (ExAC; d bSNP rs116593093).

GeneDx
Classification: Benign. Last evaluated: 2014-05-12. Review status: criteria provided, single submitter. Criteria: GeneDx Variant Classification (06012015). Collection method: clinical testing. Allele origin: germline. Affected: yes.
Comment: This variant is considered likely benign or benign based on one or more of the following criteria: it is a conservative change, it occurs at a poorly conserved position in the protein, it is predicted to be benign by multiple in silico algorithms, and/or has population frequency not consistent with disease.

Biesecker Lab/Clinical Genomics Section, National Institutes of Health
Classification: Benign. Last evaluated: 2013-06-24. Review status: criteria provided, single submitter. Criteria: Ng et al. (Circ Cardiovasc Genet. 2013). Collection method: research. Allele origin: unknown. Observed: 3 variant alleles. Study: ClinSeq.
Comment: The study set was not selected for affection status in relation to any cancer. Pathogenicity categories were based on literature curation. See Pubmed ID:23861362 for details.

Medical sequencing

PreventionGenetics, part of Exact Sciences
Classification: Benign for TTN-related condition. Last evaluated: 2019-05-29. Review status: no assertion criteria provided. Collection method: clinical testing. Allele origin: germline. Not counted in ClinVar's aggregate classification.
Comment: This variant is classified as benign based on ACMG/AMP sequence variant interpretation guidelines (Richards et al. 2015 PMID: 25741868, with internal and published modifications).

Clinical Genetics, Academic Medical Center
Classification: Benign. Review status: no assertion criteria provided. Collection method: clinical testing. Allele origin: germline. Affected: yes. Study: VKGL Data-share Consensus. Not counted in ClinVar's aggregate classification.

Diagnostic Laboratory, Department of Genetics, University Medical Center Groningen
Classification: Benign. Review status: no assertion criteria provided. Collection method: clinical testing. Allele origin: germline. Affected: yes. Study: VKGL Data-share Consensus. Not counted in ClinVar's aggregate classification.

Dr. Peter K. Rogan Lab, Western University
No classification provided (evidence only). Condition: Lung cancer. Review status: no classification provided. Collection method: in vitro. Allele origin: not applicable. Functional consequence: retained intron. Not counted in ClinVar's aggregate classification.

Dr. Peter K. Rogan Lab, Western University
No classification provided (evidence only). Condition: Uterine corpus endometrial carcinoma. Review status: no classification provided. Collection method: in vitro. Allele origin: not applicable. Functional consequence: retained intron. Not counted in ClinVar's aggregate classification.

Laboratory of Diagnostic Genome Analysis, Leiden University Medical Center (LUMC)
Classification: Likely benign. Review status: no assertion criteria provided. Collection method: clinical testing. Allele origin: germline. Affected: yes. Study: VKGL Data-share Consensus. Not counted in ClinVar's aggregate classification.

NM_133379.5(TTN):c.11741C>G (p.Thr3914Arg)

Gene: TTN (titin; minus strand). Cytogenetic location: 2q31.2.
Variant type: single nucleotide variant.
Coding change: c.11741C>G on transcript NM_133379.5; coding-DNA position 11741, C replaced by G.
Protein change: p.Thr3914Arg; replaces threonine 3914 with arginine.
Molecular consequence: missense variant. On other transcripts: intron variant (6).
Genome position (GRCh38, 1-based): chr2:178,750,659, G>C on the plus strand (C>G on the coding strand, the complement: TTN is on the minus strand). VCF-style: chr2-178750659-G-C. GRCh37 (hg19) VCF-style: chr2-179615386-G-C.
Other names: p.T3914R:ACA>AGA; c.10222+2465C>G (NM_003319.4); c.10798+2465C>G (NM_133437.4); c.10597+2465C>G (NM_133432.3); c.11311+2465C>G (NM_001267550.2); c.10360+2465C>G (NM_133378.4, NM_001256850.1); c.11741C>G (NM_133379.4); short protein forms T3914R.
Identifiers: ClinVar variation 47738 (VCV000047738.59), dbSNP rs116593093, ClinGen allele CA284440.
Genomic context (GRCh38, chr2:178,750,659, plus strand): 5'-GAATTTTCAAAAAATCTCATGTTTTCTTCCTTCTGTTCGGTTTTGAATTCATCAATTCGT[G>C]TAGAAGCAGAGAGTTGTAATTCTCTCAAATCATCCTTTTTTATTCTTTCACTAGCTATTT-3'